The following is an entry in ClinVar:

NM_000187.4(HGD):c.401A>G (p.His134Arg)

Gene: HGD (homogentisate 1,2-dioxygenase; minus strand). Cytogenetic location: 3q13.33.
Variant type: single nucleotide variant.
Coding change: c.401A>G on transcript NM_000187.4 (MANE Select); coding-DNA position 401, A replaced by G.
Protein change: p.His134Arg; replaces histidine 134 with arginine.
Molecular consequence: missense variant.
Genome position (GRCh38, 1-based): chr3:120,650,807, T>C on the plus strand (A>G on the coding strand, the complement: HGD is on the minus strand). VCF-style: chr3-120650807-T-C. GRCh37 (hg19) VCF-style: chr3-120369654-T-C.
Other names: short protein forms H134R.
Identifiers: ClinVar variation 2136939 (VCV002136939.1), dbSNP rs1941316940, ClinGen allele CA354078046.

ClinVar aggregate classification (germline): Uncertain significance (1 of 4 stars; one submission).

Conditions:
Alkaptonuria (AKU). Also called: HOMOGENTISIC ACID OXIDASE DEFICIENCY; Alkaptonuric ochronosis; Homogentisic acidura; Alcaptonuria. Identifiers: Orphanet 56, MedGen C0002066, MONDO:0008753, OMIM 203500.

Allele frequency attached by ClinVar (database versions not stated): gnomAD exomes below 0.00001; TOPMed 0.00001.
gnomAD v4.1: 1 of 1,614,120 alleles (0.000062%); highest among the groups gnomAD compares: Admixed American, 0.0017%; no homozygotes.

Submission:

Labcorp Genetics (formerly Invitae), Labcorp
Classification: Uncertain significance for Alkaptonuria. Last evaluated: 2022-08-17. Review status: criteria provided, single submitter. Criteria: Invitae Variant Classification Sherloc (09022015). Collection method: clinical testing. Allele origin: germline.
Comment: This sequence change replaces histidine, which is basic and polar, with arginine, which is basic and polar, at codon 134 of the HGD protein (p.His134Arg). This variant is not present in population databases (gnomAD no frequency). This variant has not been reported in the literature in individuals affected with HGD-related conditions. Advanced modeling of protein sequence and biophysical properties (such as structural, functional, and spatial information, amino acid conservation, physicochemical variation, residue mobility, and thermodynamic stability) performed at Invitae indicates that this missense variant is expected to disrupt HGD protein function. In summary, the available evidence is currently insufficient to determine the role of this variant in disease. Therefore, it has been classified as a Variant of Uncertain Significance.